The following is an entry in ClinVar:

NM_018238.4(AGK):c.785C>T (p.Pro262Leu)

Gene: AGK (acylglycerol kinase; plus strand). Cytogenetic location: 7q34.
Variant type: single nucleotide variant.
Coding change: c.785C>T on transcript NM_018238.4 (MANE Select); coding-DNA position 785, C replaced by T.
Protein change: p.Pro262Leu; replaces proline 262 with leucine.
Molecular consequence: missense variant.
Genome position (GRCh38, 1-based): chr7:141,641,306, C>T. VCF-style: chr7-141641306-C-T. GRCh37 (hg19) VCF-style: chr7-141341106-C-T.
Other names: c.785C>T, p.Pro262Leu (NM_001364948.3); short protein forms P262L.
Identifiers: ClinVar variation 2168275 (VCV002168275.4), dbSNP rs755943030, ClinGen allele CA4517583.
Genomic context (GRCh38, chr7:141,641,306, plus strand): 5'-AGGAGTGGCCTCAGACTCATCAAGCCTCTATCTCATACACGGGACCTACAGAGAGACCTC[C>T]CAATGAACCAGAGGAGACCCCTGTACAAAGGCCTTCTTTGTACAGGAGAATATTACGAAG-3'
Protein context (NP_060708.1, residues 252-272): ISYTGPTERP[Pro262Leu]NEPEETPVQR

ClinVar aggregate classification (germline): Uncertain significance (1 of 4 stars; one submission).

Conditions:
Cataract 38. Also called: Cataract, autosomal recessive congenital 5; Cataract 38, autosomal recessive. Identifiers: Orphanet 91492, MedGen C3553494, MONDO:0013859, OMIM 614691.
Sengers syndrome. Also called: MITOCHONDRIAL DNA DEPLETION SYNDROME 10 (CARDIOMYOPATHIC TYPE); Cardiomyopathy and cataract. Identifiers: Orphanet 1369, MedGen C1859317, MONDO:0008922, OMIM 212350.

Allele frequency attached by ClinVar (database versions not stated): ExAC 0.00001; gnomAD exomes 0.00001.
gnomAD v4.1: 3 of 1,613,930 alleles (0.00019%); highest among the groups gnomAD compares: Admixed American, 0.0033%; no homozygotes.

Submission:

Labcorp Genetics (formerly Invitae), Labcorp
Classification: Uncertain significance for Sengers syndrome; Cataract 38. Last evaluated: 2023-12-21. Review status: criteria provided, single submitter. Criteria: Invitae Variant Classification Sherloc (09022015). Collection method: clinical testing. Allele origin: germline.
Comment: This sequence change replaces proline, which is neutral and non-polar, with leucine, which is neutral and non-polar, at codon 262 of the AGK protein (p.Pro262Leu). This variant is present in population databases (rs755943030, gnomAD 0.006%). This variant has not been reported in the literature in individuals affected with AGK-related conditions. ClinVar contains an entry for this variant (Variation ID: 2168275). Advanced modeling of protein sequence and biophysical properties (such as structural, functional, and spatial information, amino acid conservation, physicochemical variation, residue mobility, and thermodynamic stability) performed at Invitae indicates that this missense variant is not expected to disrupt AGK protein function with a negative predictive value of 80%. In summary, the available evidence is currently insufficient to determine the role of this variant in disease. Therefore, it has been classified as a Variant of Uncertain Significance.